The following is an entry in ClinVar:

NM_001127222.2(CACNA1A):c.6265C>T (p.Arg2089Trp)

Gene: CACNA1A (calcium voltage-gated channel subunit alpha1 A; minus strand). Cytogenetic location: 19p13.13.
Variant type: single nucleotide variant.
Coding change: c.6265C>T on transcript NM_001127222.2 (MANE Select); coding-DNA position 6265, C replaced by T.
Protein change: p.Arg2089Trp; replaces arginine 2089 with tryptophan.
Molecular consequence: missense variant.
Genome position (GRCh38, 1-based): chr19:13,212,141, G>A on the plus strand (C>T on the coding strand, the complement: CACNA1A is on the minus strand). VCF-style: chr19-13212141-G-A. GRCh37 (hg19) VCF-style: chr19-13322955-G-A.
Other names: c.6265C>T (NM_001127222.1); c.6283C>T, p.Arg2095Trp (NM_000068.4, NM_023035.3); c.6268C>T, p.Arg2090Trp (NM_001127221.2); c.6274C>T, p.Arg2092Trp (NM_001174080.2); short protein forms R2092W, R2089W, R2090W, R2095W.
Identifiers: ClinVar variation 1752525 (VCV001752525.33), dbSNP rs200093958, ClinGen allele CA9239418.

ClinVar aggregate classification (germline): Conflicting classifications of pathogenicity. Review status: criteria provided, conflicting classifications (1 of 4 stars). 5 submissions from 5 submitters: Uncertain significance (4); Likely benign (1). Last evaluated 2025-07-18.

Conditions:
CACNA1A-related disorder. Also called: CACNA1A-related condition.
Inborn genetic diseases. Identifiers: MedGen C0950123, MeSH D030342.
Developmental and epileptic encephalopathy, 42 (DEE42A). Also called: Epileptic encephalopathy, early infantile, 42; DEVELOPMENTAL AND EPILEPTIC ENCEPHALOPATHY 42A; EPILEPTIC ENCEPHALOPATHY, EARLY INFANTILE, 42A. Identifiers: MedGen C4310716, MONDO:0014917, OMIM 617106.
Episodic ataxia type 2 (EA2). Also called: ACETAZOLAMIDE-RESPONSIVE HEREDITARY PAROXYSMAL CEREBELLAR ATAXIA; ATAXIA, EPISODIC, WITH NYSTAGMUS; ATAXIA, FAMILIAL PAROXYSMAL; CEREBELLAR ATAXIA, PAROXYSMAL, ACETAZOLAMIDE-RESPONSIVE; CEREBELLOPATHY, HEREDITARY PAROXYSMAL; EPISODIC ATAXIA, NYSTAGMUS-ASSOCIATED. Identifiers: Orphanet 97, MedGen C1720416, MONDO:0007163, OMIM 108500.

gnomAD v4.1: 19 of 1,613,514 alleles (0.0012%); highest among the groups gnomAD compares: East Asian, 0.0022%; no homozygotes.

Submissions (5):

GeneDx
Classification: Uncertain significance. Last evaluated: 2025-07-18. Review status: criteria provided, single submitter. Criteria: GeneDx Variant Classification Process June 2021. Collection method: clinical testing. Allele origin: germline. Affected: yes.
Comment: Not observed at significant frequency in large population cohorts (gnomAD); In silico analysis supports that this missense variant has a deleterious effect on protein structure/function; Has not been previously published as pathogenic or benign to our knowledge

PreventionGenetics, part of Exact Sciences
Classification: Uncertain significance for CACNA1A-related condition. Last evaluated: 2025-03-17. Review status: criteria provided, single submitter. Criteria: ACMG Guidelines, 2015. Collection method: clinical testing. Allele origin: germline.
Comment: The CACNA1A c.6265C>T variant is predicted to result in the amino acid substitution p.Arg2089Trp. To our knowledge, this variant has not been reported in the literature. This variant is reported in 0.0033% of alleles in individuals of South Asian descent in gnomAD. At this time, the clinical significance of this variant is uncertain due to the absence of conclusive functional and genetic evidence.

Labcorp Genetics (formerly Invitae), Labcorp
Classification: Likely benign for Developmental and epileptic encephalopathy, 42; Episodic ataxia type 2. Last evaluated: 2024-10-16. Review status: criteria provided, single submitter. Criteria: Invitae Variant Classification Sherloc (09022015). Collection method: clinical testing. Allele origin: germline.

CeGaT Center for Human Genetics Tuebingen
Classification: Uncertain significance. Last evaluated: 2022-06-01. Review status: criteria provided, single submitter. Criteria: CeGaT Center For Human Genetics Tuebingen Variant Classification Criteria Version 2. Collection method: clinical testing. Allele origin: germline. Affected: yes. Observed: 1 variant allele.
Comment: CACNA1A: PP2

Ambry Genetics
Classification: Uncertain significance for Inborn genetic diseases. Last evaluated: 2020-03-24. Review status: criteria provided, single submitter. Criteria: Ambry Variant Classification Scheme 2023. Collection method: clinical testing. Allele origin: germline.
Comment: The p.R2090W variant (also known as c.6268C>T), located in coding exon 43 of the CACNA1A gene, results from a C to T substitution at nucleotide position 6268. The arginine at codon 2090 is replaced by tryptophan, an amino acid with dissimilar properties. This amino acid position is highly conserved in available vertebrate species. In addition, the in silico prediction for this alteration is inconclusive. Since supporting evidence is limited at this time, the clinical significance of this alteration remains unclear.